The following is an entry in ClinVar:

NM_001048174.2(MUTYH):c.752A>C (p.Asn251Thr)

Gene: MUTYH (mutY DNA glycosylase; minus strand). Cytogenetic location: 1p34.1.
Variant type: single nucleotide variant.
Coding change: c.752A>C on transcript NM_001048174.2 (MANE Select); coding-DNA position 752, A replaced by C.
Protein change: p.Asn251Thr; replaces asparagine 251 with threonine.
Molecular consequence: missense variant. On other transcripts: non-coding transcript variant (2).
Genome position (GRCh38, 1-based): chr1:45,332,263, T>G on the plus strand (A>C on the coding strand, the complement: MUTYH is on the minus strand). VCF-style: chr1-45332263-T-G. GRCh37 (hg19) VCF-style: chr1-45797935-T-G.
Other names: c.752A>C, p.Asn251Thr (NM_001048171.2, NM_001048173.2, NM_001293195.2); c.755A>C, p.Asn252Thr (NM_001048172.2); c.836A>C, p.Asn279Thr (NM_001128425.2); c.797A>C, p.Asn266Thr (NM_001293190.2); c.785A>C, p.Asn262Thr (NM_001293191.2); c.476A>C, p.Asn159Thr (NM_001293192.2, NM_001293196.2); c.407A>C, p.Asn136Thr (NM_001350650.2, NM_001350651.2); c.827A>C, p.Asn276Thr (NM_012222.3); short protein forms N279T, N265T, N251T, N252T, N159T, N276T, N136T, N262T.
Identifiers: ClinVar variation 134857 (VCV000134857.36), dbSNP rs587778534, ClinGen allele CA014438.

ClinVar aggregate classification (germline): Conflicting classifications of pathogenicity. Review status: criteria provided, conflicting classifications (1 of 4 stars). 10 submissions from 10 submitters: Pathogenic (1); Likely pathogenic (3); Uncertain significance (4). 2 of the submissions do not count toward it. Last evaluated 2026-07-27.

Conditions:
Hereditary cancer-predisposing syndrome. Also called: Neoplastic Syndromes, Hereditary; Tumor predisposition; Hereditary neoplastic syndrome; Hereditary Cancer Syndrome. Identifiers: Orphanet 140162, MedGen C0027672, MeSH D009386, MONDO:0015356.
Familial adenomatous polyposis 2. Also called: MYH-associated polyposis; MUTYH Polyposis; MUTYH-related attenuated familial adenomatous polyposis; COLORECTAL ADENOMATOUS POLYPOSIS, AUTOSOMAL RECESSIVE; Adenomas, multiple colorectal; ADENOMAS, MULTIPLE COLORECTAL, AUTOSOMAL RECESSIVE. Identifiers: Orphanet 220460, Orphanet 247798, MedGen C3272841, MONDO:0012041, OMIM 608456.

Allele frequency attached by ClinVar (database versions not stated): gnomAD 0.00003 and 0.00004; TOPMed 0.00002.
gnomAD v4.1: 9 of 1,613,930 alleles (0.00056%); highest among the groups gnomAD compares: African/African-American, 0.008%; no homozygotes.

Submissions (10):

Myriad Genetics, Inc.
Classification: Likely pathogenic for Familial adenomatous polyposis 2. Last evaluated: 2026-07-27. Review status: criteria provided, single submitter. Criteria: Myriad Autosomal Dominant, Autosomal Recessive and X-Linked Classification Criteria (2023). Collection method: clinical testing. Allele origin: unknown.
Comment: This variant is considered likely pathogenic. This variant has been reported in multiple individuals with clinical features of gene-specific disease [Myriad internal data]. Functional studies indicate this variant impacts protein function [PMID: 40738107].

Ambry Genetics
Classification: Pathogenic for Hereditary cancer-predisposing syndrome. Last evaluated: 2026-02-25. Review status: criteria provided, single submitter. Criteria: Ambry Variant Classification Scheme 2023. Collection method: clinical testing. Allele origin: germline.
Comment: The p.N279T pathogenic mutation (also known as c.836A>C), located in coding exon 10 of the MUTYH gene, results from an A to C substitution at nucleotide position 836. The asparagine at codon 279 is replaced by threonine, an amino acid with similar properties. This variant has been identified in the homozygous state and/or in conjunction with other MUTYH variant(s) in many individual(s) who met clinical criteria for MUTYH-associated polyposis; in at least one instance, the variants were identified in trans (External communication, Ambry internal data). In a massively parallel cell-based functional assay testing 7,8-dihydro-8-oxoguanine:adenine (8OG:A) repair activity, a byproduct of oxidative damage, this variant was reported to be non-functional (Hemker SL et al. Am J Hum Genet. 2025 Sep;112(9):2010-2026). This amino acid position is highly conserved in available vertebrate species. Based on the supporting evidence, this variant is interpreted as a disease-causing mutation.

Labcorp Genetics (formerly Invitae), Labcorp
Classification: Likely pathogenic for Familial adenomatous polyposis 2. Last evaluated: 2026-01-21. Review status: criteria provided, single submitter. Criteria: Invitae Variant Classification Sherloc (09022015). Collection method: clinical testing. Allele origin: germline.
Comment: This sequence change replaces asparagine, which is neutral and polar, with threonine, which is neutral and polar, at codon 279 of the MUTYH protein (p.Asn279Thr). This variant is present in population databases (rs587778534, gnomAD 0.03%). This missense change has been observed in individual(s) with MUTYH-associated polyposis (internal data). In at least one individual the data is consistent with being in trans (on the opposite chromosome) from a pathogenic variant. ClinVar contains an entry for this variant (Variation ID: 134857). An algorithm developed to predict the effect of missense changes on protein structure and function (PolyPhen-2) suggests that this variant is likely to be disruptive. In summary, the currently available evidence indicates that the variant is pathogenic, but additional data are needed to prove that conclusively. Therefore, this variant has been classified as Likely Pathogenic.

Color Diagnostics, LLC DBA Color Health
Classification: Likely pathogenic for Hereditary cancer-predisposing syndrome. Last evaluated: 2025-08-07. Review status: criteria provided, single submitter. Criteria: ACMG Guidelines, 2015. Collection method: clinical testing. Allele origin: germline.
Comment: This missense variant replaces asparagine with threonine at codon 279 of the MUTYH protein. Computational prediction suggests that this variant may have deleterious impact on protein structure and function. To our knowledge, functional studies have not been reported for this variant. This variant has been observed in the compound heterozygous state in individuals with clinical features of autosomal recessive MUTYH-associated polyposis (communication with an external laboratoryClinVar Accession: SCV000545791.11). This variant has been identified in 3/31360 chromosomes in the general population by the Genome Aggregation Database (gnomAD). Based on the available evidence, this variant is classified as Likely Pathogenic.

Quest Diagnostics Nichols Institute San Juan Capistrano
Classification: Uncertain significance. Last evaluated: 2025-02-20. Review status: criteria provided, single submitter. Criteria: Quest Diagnostics criteria. Collection method: clinical testing. Allele origin: unknown.
Comment: The MUTYH c.836A>C (p.Asn279Thr) variant has been reported in the published literature in reportedly healthy individuals (PMID: 24728327 (2014), 33471991 (2021), see also LOVD). The frequency of this variant in the general population (Genome Aggregation Database) is uninformative in the assessment of its pathogenicity. Analysis of this variant using bioinformatics tools for the prediction of the effect of amino acid changes on protein structure and function yielded predictions that this variant is damaging. Based on the available information, we are unable to determine the clinical significance of this variant.

GeneDx
Classification: Uncertain significance. Last evaluated: 2024-10-07. Review status: criteria provided, single submitter. Criteria: GeneDx Variant Classification Process June 2021. Collection method: clinical testing. Allele origin: germline. Affected: yes.
Comment: In silico analysis supports that this missense variant has a deleterious effect on protein structure/function; Has not been previously published as pathogenic or benign to our knowledge; This variant is associated with the following publications: (PMID: 24728327, 11092888, 11160897)

All of Us Research Program, National Institutes of Health
Classification: Uncertain significance for Familial adenomatous polyposis 2. Last evaluated: 2024-08-13. Review status: criteria provided, single submitter. Criteria: ACMG Guidelines, 2015. Collection method: clinical testing. Allele origin: germline. Inheritance: Autosomal recessive inheritance. Observed: 5 variant alleles, 5 heterozygotes.
Comment: This missense variant replaces asparagine with threonine at codon 279 of the MUTYH protein. Computational prediction tools and conservation analyses suggest that this variant may have deleterious impact on protein structure and function. Splice site prediction tools suggest that this variant may not impact RNA splicing. To our knowledge, functional studies have not been performed for this variant. This variant has not been reported in individuals affected with hereditary cancer in the literature. This variant has been identified in 3/31360 chromosomes in the general population by the Genome Aggregation Database (gnomAD). The available evidence is insufficient to determine the role of this variant in disease conclusively. Therefore, this variant is classified as a Variant of Uncertain Significance.

This study involves interpretation of variants in research participants for the purpose of population health screening. Participant phenotype was not available at the time of variant classification. Additional details can be found in publication PMID: 35346344, PMCID: PMC8962531

Baylor Genetics
Classification: Uncertain significance for Familial adenomatous polyposis 2. Last evaluated: 2024-03-19. Review status: criteria provided, single submitter. Criteria: ACMG Guidelines, 2015. Collection method: clinical testing. Allele origin: unknown.

Counsyl
Classification: Uncertain significance for Familial adenomatous polyposis 2. Last evaluated: 2016-03-03. Review status: no assertion criteria provided. Collection method: clinical testing. Allele origin: unknown. Not counted in ClinVar's aggregate classification.

ITMI
No classification provided. Condition: AllHighlyPenetrant. Last evaluated: 2013-09-19. Review status: no classification provided. Collection method: reference population. Allele origin: germline. Not counted in ClinVar's aggregate classification.
Comment: Please see associated publication for description of ethnicities

Literature cited by the submitters: PubMed 40738107 (cited by Myriad Genetics, Inc. and Ambry Genetics); PubMed 24728327 (cited by 3 submitters).